The following is an entry in ClinVar:

ClinVar aggregate classification (germline): Likely benign (1 of 4 stars; one submission).

Conditions:
MYBPC1-related disorder. Also called: MYBPC1-related condition.

gnomAD v4.1: 49 of 1,613,926 alleles (0.003%); highest among the groups gnomAD compares: Admixed American, 0.0067%; no homozygotes.

Submission:

PreventionGenetics, part of Exact Sciences
Classification: Likely benign for MYBPC1-related condition. Last evaluated: 2025-03-12. Review status: criteria provided, single submitter. Criteria: ACMG Guidelines, 2015. Collection method: clinical testing. Allele origin: germline.
Comment: This variant is classified as likely benign based on ACMG/AMP sequence variant interpretation guidelines (Richards et al. 2015 PMID: 25741868, with internal and published modifications).

NM_002465.4(MYBPC1):c.501C>T (p.Cys167=)

Gene: MYBPC1 (myosin binding protein C1; plus strand). Cytogenetic location: 12q23.2.
Variant type: single nucleotide variant.
Coding change: c.501C>T on transcript NM_002465.4 (MANE Select); coding-DNA position 501, C replaced by T.
Protein change: p.Cys167=; no amino-acid change (cysteine 167 retained).
Molecular consequence: synonymous variant.
Genome position (GRCh38, 1-based): chr12:101,632,083, C>T. VCF-style: chr12-101632083-C-T. GRCh37 (hg19) VCF-style: chr12-102025861-C-T.
Other names: c.426C>T, p.Cys142= (NM_001254718.3, NM_001254719.3, NM_001254721.3 and 4 more transcripts); c.390C>T, p.Cys130= (NM_001254720.3); c.348C>T, p.Cys116= (NM_001254722.3, NM_001404677.1, NM_001404679.1 and 2 more transcripts); c.387C>T, p.Cys129= (NM_001254723.3); c.501C>T, p.Cys167= (NM_001404675.1, NM_206819.4).
Identifiers: ClinVar variation 4984635 (VCV004984635.1).
Genomic context (GRCh38, chr12:101,632,083, plus strand): 5'-GTACACATTTGAGATGCAGATCATCAAGGCCAAAGATAACTTTGCAGGAAATTACAGATG[C>T]GAGGTCACCTATAAGGATAAGTTTGACAGCTGTTCATTTGATCTTGAAGTGCACGGTAAG-3'
Protein context (NP_002456.2, residues 157-177): AKDNFAGNYR[Cys167=]EVTYKDKFDS